The following is an entry in ClinVar:

ClinVar aggregate classification (germline): Benign. Review status: criteria provided, single submitter (1 of 4 stars). 2 submissions from 2 submitters: Benign (1). 1 of the submissions does not count toward it. Last evaluated 2025-04-14.

Conditions:
SLC35A2-related disorder. Also called: SLC35A2-related condition.
SLC35A2-congenital disorder of glycosylation. Also called: CONGENITAL DISORDER OF GLYCOSYLATION, TYPE IIm; CDG IIm; EPILEPTIC ENCEPHALOPATHY, EARLY INFANTILE, 22; DEVELOPMENTAL AND EPILEPTIC ENCEPHALOPATHY 22; SLC35A2-CDG; CONGENITAL DISORDER OF GLYCOSYLATION, TYPE IIm, SOMATIC MOSAIC. Identifiers: Orphanet 356961, MedGen C3806688, MONDO:0010478, OMIM 300896.

Allele frequency attached by ClinVar (database versions not stated): gnomAD 0.00002; gnomAD exomes 0.00002 and 0.00005; TOPMed 0.00002; ExAC 0.00005.
gnomAD v4.1: 22 of 1,209,309 alleles (0.0018%); highest among the groups gnomAD compares: East Asian, 0.015%; no homozygotes.

Submissions (2):

Labcorp Genetics (formerly Invitae), Labcorp
Classification: Benign for SLC35A2-congenital disorder of glycosylation. Last evaluated: 2025-04-14. Review status: criteria provided, single submitter. Criteria: Invitae Variant Classification Sherloc (09022015). Collection method: clinical testing. Allele origin: germline.

PreventionGenetics, part of Exact Sciences
Classification: Likely benign for SLC35A2-related condition. Last evaluated: 2019-06-03. Review status: no assertion criteria provided. Collection method: clinical testing. Allele origin: germline. Not counted in ClinVar's aggregate classification.
Comment: This variant is classified as likely benign based on ACMG/AMP sequence variant interpretation guidelines (Richards et al. 2015 PMID: 25741868, with internal and published modifications).

NM_005660.3(SLC35A2):c.279C>T (p.Asn93=)

Gene: SLC35A2 (solute carrier family 35 member A2; minus strand). Cytogenetic location: Xp11.23.
Variant type: single nucleotide variant.
Coding change: c.279C>T on transcript NM_005660.3 (MANE Select); coding-DNA position 279, C replaced by T.
Protein change: p.Asn93=; no amino-acid change (asparagine 93 retained).
Molecular consequence: synonymous variant.
Genome position (GRCh38, 1-based): chrX:48,906,539, G>A on the plus strand (C>T on the coding strand, the complement: SLC35A2 is on the minus strand). VCF-style: chrX-48906539-G-A. GRCh37 (hg19) VCF-style: chrX-48763816-G-A.
Other names: c.279C>T, p.Asn93= (NM_001032289.3, NM_001042498.3, NM_001282647.2); c.207C>T, p.Asn69= (NM_001282648.2); c.96C>T, p.Asn32= (NM_001282649.2); c.318C>T, p.Asn106= (NM_001282650.2); c.363C>T, p.Asn121= (NM_001282651.2); c.279C>T (NM_001042498.2).
Identifiers: ClinVar variation 1164750 (VCV001164750.13), dbSNP rs782206039, ClinGen allele CA10406164.